The following is an entry in ClinVar:

NM_001297595.2(SIN3B):c.2063C>T (p.Pro688Leu)

Gene: SIN3B (SIN3 transcription regulator family member B; plus strand). Cytogenetic location: 19p13.11.
Variant type: single nucleotide variant.
Coding change: c.2063C>T on transcript NM_001297595.2 (MANE Select); coding-DNA position 2063, C replaced by T.
Protein change: p.Pro688Leu; replaces proline 688 with leucine.
Molecular consequence: missense variant.
Genome position (GRCh38, 1-based): chr19:16,869,716, C>T. VCF-style: chr19-16869716-C-T. GRCh37 (hg19) VCF-style: chr19-16980527-C-T.
Other names: c.833C>T, p.Pro278Leu (NM_001297597.2); c.2159C>T, p.Pro720Leu (NM_015260.4); short protein forms P278L, P688L, P720L.
Identifiers: ClinVar variation 3364786 (VCV003364786.1).
Genomic context (GRCh38, chr19:16,869,716, plus strand): 5'-TCTCTCAGCAGCTGGACCTGGGCGCCTCCGAGGAGTCAGCTGATGAGGACCGGGACAGCC[C>T]CCAGGGGCAGACCACAGACCCCAGTGAGCGGAAGAAGCCGGCGCCAGGACCCCACAGTAG-3'
Protein context (NP_001284524.1, residues 678-698): EESADEDRDS[Pro688Leu]QGQTTDPSER

ClinVar aggregate classification (germline): Uncertain significance (1 of 4 stars; one submission).

Submission:

GeneDx
Classification: Uncertain significance. Last evaluated: 2023-11-28. Review status: criteria provided, single submitter. Criteria: GeneDx Variant Classification Process June 2021. Collection method: clinical testing. Allele origin: germline. Affected: yes.
Comment: Not observed at significant frequency in large population cohorts (gnomAD); In silico analysis supports that this missense variant does not alter protein structure/function; Has not been previously published as pathogenic or benign to our knowledge